The following is an entry in ClinVar:

NM_153240.5(NPHP3):c.2692A>C (p.Arg898=)

Genes: NPHP3-ACAD11 (NPHP3-ACAD11 readthrough (NMD candidate); minus strand), NPHP3 (nephrocystin 3; minus strand). Cytogenetic location: 3q22.1.
Variant type: single nucleotide variant.
Coding change: c.2692A>C on transcript NM_153240.5 (MANE Select); coding-DNA position 2692, A replaced by C.
Protein change: p.Arg898=; no amino-acid change (arginine 898 retained).
Molecular consequence: synonymous variant. On other transcripts: non-coding transcript variant (1).
Genome position (GRCh38, 1-based): chr3:132,690,529, T>G on the plus strand (A>C on the coding strand, the complement: NPHP3 is on the minus strand). VCF-style: chr3-132690529-T-G. GRCh37 (hg19) VCF-style: chr3-132409373-T-G.
Identifiers: ClinVar variation 1939501 (VCV001939501.5), dbSNP rs1560003115, ClinGen allele CA435789233.

ClinVar aggregate classification (germline): Uncertain significance (1 of 4 stars; one submission).

Conditions:
Nephronophthisis. Also called: Juvenile Nephronophthisis. Identifiers: Orphanet 655, MedGen C0687120, MONDO:0019005, HP:0000090.

Submission:

Labcorp Genetics (formerly Invitae), Labcorp
Classification: Uncertain significance for Nephronophthisis. Last evaluated: 2022-09-01. Review status: criteria provided, single submitter. Criteria: Invitae Variant Classification Sherloc (09022015). Collection method: clinical testing. Allele origin: germline.
Comment: In summary, the available evidence is currently insufficient to determine the role of this variant in disease. Therefore, it has been classified as a Variant of Uncertain Significance. Algorithms developed to predict the effect of sequence changes on RNA splicing suggest that this variant is not likely to affect RNA splicing. This variant has not been reported in the literature in individuals affected with NPHP3-related conditions. This variant is not present in population databases (gnomAD no frequency). This sequence change affects codon 898 of the NPHP3 mRNA. It is a 'silent' change, meaning that it does not change the encoded amino acid sequence of the NPHP3 protein. It affects a nucleotide within the consensus splice site.